The following is an entry in ClinVar:

ClinVar aggregate classification (germline): Uncertain significance. Review status: criteria provided, multiple submitters, no conflicts (2 of 4 stars). 4 submissions from 4 submitters: Uncertain significance (4). Last evaluated 2025-11-03.

Conditions:
Malignant hyperthermia, susceptibility to, 5 (MHS5). Also called: CACNA1S-Related Malignant Hyperthermia Susceptibility. Identifiers: Orphanet 423, MedGen C1866077, MONDO:0011163, OMIM 601887.
Inborn genetic diseases. Identifiers: MedGen C0950123, MeSH D030342.
Hypokalemic periodic paralysis, type 1. Also called: Hypokalemic Periodic Paralysis Type 1 (AD); HypoPP. Identifiers: Orphanet 681, MedGen C3714580, MONDO:0042979, OMIM 170400.

Allele frequency attached by ClinVar (database versions not stated): gnomAD exomes below 0.00001.
gnomAD v4.1: 1 of 1,614,102 alleles (0.000062%); highest among the groups gnomAD compares: Non-Finnish European, 0.000085%; no homozygotes.

Submissions (4):

Color Diagnostics, LLC DBA Color Health
Classification: Uncertain significance for Malignant hyperthermia, susceptibility to, 5. Last evaluated: 2025-11-03. Review status: criteria provided, single submitter. Criteria: ACMG Guidelines, 2015. Collection method: clinical testing. Allele origin: germline.
Comment: This missense variant replaces isoleucine with valine at codon 229 of the CACNA1S protein. Computational prediction suggests that this variant may not impact protein structure and function. To our knowledge, functional studies have not been reported for this variant. This variant has not been reported in individuals affected with CACNA1S-related disorders in the literature. This variant has not been identified in the general population by the Genome Aggregation Database (gnomAD). The available evidence is insufficient to determine the role of this variant in disease conclusively. Therefore, this variant is classified as a Variant of Uncertain Significance.

Ambry Genetics
Classification: Uncertain significance for Inborn genetic diseases. Last evaluated: 2024-12-31. Review status: criteria provided, single submitter. Criteria: Ambry Variant Classification Scheme 2023. Collection method: clinical testing. Allele origin: germline.

All of Us Research Program, National Institutes of Health
Classification: Uncertain significance for Malignant hyperthermia, susceptibility to, 5. Last evaluated: 2024-07-29. Review status: criteria provided, single submitter. Criteria: ACMG Guidelines, 2015. Collection method: clinical testing. Allele origin: germline. Inheritance: Autosomal dominant inheritance. Observed: 1 variant allele, 1 heterozygote.
Comment: This missense variant replaces isoleucine with valine at codon 229 of the CACNA1S protein. Computational prediction suggests that this variant may not impact protein structure and function (internally defined REVEL score threshold <= 0.5, PMID: 27666373). To our knowledge, functional studies have not been reported for this variant. This variant has not been reported in individuals affected with CACNA1S-related disorders in the literature. This variant has not been identified in the general population by the Genome Aggregation Database (gnomAD). The available evidence is insufficient to determine the role of this variant in disease conclusively. Therefore, this variant is classified as a Variant of Uncertain Significance.

This study involves interpretation of variants in research participants for the purpose of population health screening. Participant phenotype was not available at the time of variant classification. Additional details can be found in publication PMID: 35346344, PMCID: PMC8962531

Labcorp Genetics (formerly Invitae), Labcorp
Classification: Uncertain significance for Hypokalemic periodic paralysis, type 1; Malignant hyperthermia, susceptibility to, 5. Last evaluated: 2023-12-30. Review status: criteria provided, single submitter. Criteria: Invitae Variant Classification Sherloc (09022015). Collection method: clinical testing. Allele origin: germline.
Comment: This sequence change replaces isoleucine, which is neutral and non-polar, with valine, which is neutral and non-polar, at codon 229 of the CACNA1S protein (p.Ile229Val). This variant is not present in population databases (gnomAD no frequency). This variant has not been reported in the literature in individuals affected with CACNA1S-related conditions. ClinVar contains an entry for this variant (Variation ID: 839728). Advanced modeling of protein sequence and biophysical properties (such as structural, functional, and spatial information, amino acid conservation, physicochemical variation, residue mobility, and thermodynamic stability) performed at Invitae indicates that this missense variant is not expected to disrupt CACNA1S protein function with a negative predictive value of 80%. In summary, the available evidence is currently insufficient to determine the role of this variant in disease. Therefore, it has been classified as a Variant of Uncertain Significance.

NM_000069.3(CACNA1S):c.685A>G (p.Ile229Val)

Gene: CACNA1S (calcium voltage-gated channel subunit alpha1 S; minus strand). Cytogenetic location: 1q32.1.
Variant type: single nucleotide variant.
Coding change: c.685A>G on transcript NM_000069.3 (MANE Select); coding-DNA position 685, A replaced by G.
Protein change: p.Ile229Val; replaces isoleucine 229 with valine.
Molecular consequence: missense variant.
Genome position (GRCh38, 1-based): chr1:201,091,649, T>C on the plus strand (A>G on the coding strand, the complement: CACNA1S is on the minus strand). VCF-style: chr1-201091649-T-C. GRCh37 (hg19) VCF-style: chr1-201060777-T-C.
Other names: short protein forms I229V.
Identifiers: ClinVar variation 839728 (VCV000839728.13), dbSNP rs1662236680, ClinGen allele CA344139181.